The following is an entry in ClinVar:

NM_024577.4(SH3TC2):c.620C>T (p.Ser207Leu)

Gene: SH3TC2 (SH3 domain and tetratricopeptide repeats 2; minus strand). Cytogenetic location: 5q32.
Variant type: single nucleotide variant.
Coding change: c.620C>T on transcript NM_024577.4 (MANE Select); coding-DNA position 620, C replaced by T.
Protein change: p.Ser207Leu; replaces serine 207 with leucine.
Molecular consequence: missense variant.
Genome position (GRCh38, 1-based): chr5:149,041,527, G>A on the plus strand (C>T on the coding strand, the complement: SH3TC2 is on the minus strand). VCF-style: chr5-149041527-G-A. GRCh37 (hg19) VCF-style: chr5-148421090-G-A.
Other names: p.Ser207Leu; short protein forms S207L.
Identifiers: ClinVar variation 917274 (VCV000917274.2), dbSNP rs1754371447, ClinGen allele CA361674610.

ClinVar aggregate classification (germline): Uncertain significance. Review status: criteria provided, multiple submitters, no conflicts (2 of 4 stars). 2 submissions from 2 submitters: Uncertain significance (2). Last evaluated 2025-06-06.

Conditions:
Charcot-Marie-Tooth disease. Also called: Charcot-Marie-Tooth Hereditary Neuropathy; Charcot-Marie-Tooth Neuropathy. Identifiers: Orphanet 166, MedGen C0007959, MONDO:0015626.

Allele frequency attached by ClinVar (database versions not stated): gnomAD exomes below 0.00001.
gnomAD v4.1: 6 of 1,614,210 alleles (0.00037%); highest among the groups gnomAD compares: Non-Finnish European, 0.00051%; no homozygotes.

Submissions (2):

Mayo Clinic Laboratories, Mayo Clinic
Classification: Uncertain significance. Last evaluated: 2025-06-06. Review status: criteria provided, single submitter. Criteria: ACMG Guidelines, 2015. Collection method: clinical testing. Allele origin: germline. Observed: 1 variant allele.
Comment: BP4_moderate, PM2_supporting

Molecular Genetics Laboratory, London Health Sciences Centre
Classification: Uncertain significance for Charcot-Marie-Tooth disease. Review status: criteria provided, single submitter. Criteria: ACMG Guidelines, 2015. Collection method: clinical testing. Allele origin: germline. Affected: yes.

Literature cited by the submitters: PubMed 32376792 (cited by Mayo Clinic Laboratories, Mayo Clinic).